The following is an entry in ClinVar:

ClinVar aggregate classification (germline): Uncertain significance. Review status: criteria provided, single submitter (1 of 4 stars). 2 submissions from 2 submitters: Uncertain significance (1). 1 of the submissions does not count toward it. Last evaluated 2023-10-10.

Conditions:
Ataxia-telangiectasia syndrome (AT). Also called: Ataxia-telangiectasia, complementation group D; LOUIS-BAR SYNDROME; ATAXIA-TELANGIECTASIA, COMPLEMENTATION GROUP A; ATAXIA-TELANGIECTASIA, FRESNO VARIANT; Ataxia telangiectasia (A-T); Cerebello-oculocutaneous telangiectasia. Identifiers: Orphanet 100, MedGen C0004135, MONDO:0008840, OMIM 208900.

Allele frequency attached by ClinVar (database versions not stated): gnomAD exomes below 0.00001.
gnomAD v4.1: 1 of 1,475,556 alleles (0.000068%); highest among the groups gnomAD compares: Non-Finnish European, 0.000094%; no homozygotes.

Submissions (2):

Labcorp Genetics (formerly Invitae), Labcorp
Classification: Uncertain significance for Ataxia-telangiectasia syndrome. Last evaluated: 2023-10-10. Review status: criteria provided, single submitter. Criteria: Invitae Variant Classification Sherloc (09022015). Collection method: clinical testing. Allele origin: germline.
Comment: This sequence change replaces arginine, which is basic and polar, with threonine, which is neutral and polar, at codon 1249 of the ATM protein (p.Arg1249Thr). This variant also falls at the last nucleotide of exon 25, which is part of the consensus splice site for this exon. This variant is not present in population databases (gnomAD no frequency). This variant has not been reported in the literature in individuals affected with ATM-related conditions. An algorithm developed to predict the effect of missense changes on protein structure and function (PolyPhen-2) suggests that this variant is likely to be tolerated. Variants that disrupt the consensus splice site are a relatively common cause of aberrant splicing (PMID: 17576681, 9536098). RNA analysis performed to evaluate the impact of this missense change on mRNA splicing indicates it does not significantly alter splicing (Invitae). In summary, the available evidence is currently insufficient to determine the role of this variant in disease. Therefore, it has been classified as a Variant of Uncertain Significance.

Natera, Inc.
Classification: Uncertain significance for Ataxia-telangiectasia. Last evaluated: 2025-03-13. Review status: no assertion criteria provided. Collection method: clinical testing. Allele origin: germline. Not counted in ClinVar's aggregate classification.

Literature cited by the submitters: PubMed 17576681 (cited by Labcorp Genetics (formerly Invitae), Labcorp); PubMed 9536098 (cited by Labcorp Genetics (formerly Invitae), Labcorp).

NM_000051.4(ATM):c.3746G>C (p.Arg1249Thr)

Gene: ATM (ATM serine/threonine kinase; plus strand). Cytogenetic location: 11q22.3.
Variant type: single nucleotide variant.
Coding change: c.3746G>C on transcript NM_000051.4 (MANE Select); coding-DNA position 3746, G replaced by C.
Protein change: p.Arg1249Thr; replaces arginine 1249 with threonine.
Molecular consequence: missense variant.
Genome position (GRCh38, 1-based): chr11:108,282,879, G>C. VCF-style: chr11-108282879-G-C. GRCh37 (hg19) VCF-style: chr11-108153606-G-C.
Other names: c.3746G>C, p.Arg1249Thr (NM_001351834.2); short protein forms R1249T.
Identifiers: ClinVar variation 2767419 (VCV002767419.4), dbSNP rs2135691258, ClinGen allele CA382523905.